The following is an entry in ClinVar:

NM_000878.5(IL2RB):c.367G>A (p.Asp123Asn)

Gene: IL2RB (interleukin 2 receptor subunit beta; minus strand). Cytogenetic location: 22q12.3.
Variant type: single nucleotide variant.
Coding change: c.367G>A on transcript NM_000878.5 (MANE Select); coding-DNA position 367, G replaced by A.
Protein change: p.Asp123Asn; replaces aspartic acid 123 with asparagine.
Molecular consequence: missense variant.
Genome position (GRCh38, 1-based): chr22:37,139,138, C>T on the plus strand (G>A on the coding strand, the complement: IL2RB is on the minus strand). VCF-style: chr22-37139138-C-T. GRCh37 (hg19) VCF-style: chr22-37535178-C-T.
Other names: c.367G>A, p.Asp123Asn (NM_001346222.1, NM_001346223.2); short protein forms D123N.
Identifiers: ClinVar variation 4691765 (VCV004691765.1).

ClinVar aggregate classification (germline): Uncertain significance (1 of 4 stars; one submission).

Submission:

Labcorp Genetics (formerly Invitae), Labcorp
Classification: Uncertain significance. Last evaluated: 2025-10-29. Review status: criteria provided, single submitter. Criteria: Invitae Variant Classification Sherloc (09022015). Collection method: clinical testing. Allele origin: germline.
Comment: This sequence change replaces aspartic acid, which is acidic and polar, with asparagine, which is neutral and polar, at codon 123 of the IL2RB protein (p.Asp123Asn). This variant is present in population databases (rs776022568, gnomAD 0.002%). This variant has not been reported in the literature in individuals affected with IL2RB-related conditions. An algorithm developed to predict the effect of missense changes on protein structure and function outputs the following: PolyPhen-2: "Benign". The asparagine amino acid residue is found in multiple mammalian species, which suggests that this missense change does not adversely affect protein function. In summary, the available evidence is currently insufficient to determine the role of this variant in disease. Therefore, it has been classified as a Variant of Uncertain Significance.